The following is an entry in ClinVar:

ClinVar aggregate classification (germline): Benign (0 of 4 stars; one submission).

Conditions:
DCHS2-related disorder. Also called: DCHS2-related condition.

Allele frequency attached by ClinVar (database versions not stated): gnomAD exomes 0.01846; ExAC 0.03904; ESP Exome Variant Server 0.04659; gnomAD 0.04953; TOPMed 0.05620; 1000 Genomes Project 30x 0.09104; 1000 Genomes Project 0.09265.
gnomAD v4.1: 35,349 of 1,613,960 alleles (2.2%); highest among the groups gnomAD compares: African/African-American, 12%; 1,488 homozygotes.

Submission:

PreventionGenetics, part of Exact Sciences
Classification: Benign for DCHS2-related condition. Last evaluated: 2019-09-19. Review status: no assertion criteria provided. Collection method: clinical testing. Allele origin: germline.
Comment: This variant is classified as benign based on ACMG/AMP sequence variant interpretation guidelines (Richards et al. 2015 PMID: 25741868, with internal and published modifications).

NM_001358235.2(DCHS2):c.9392C>T (p.Pro3131Leu)

Genes: DCHS2 (dachsous cadherin-related 2; minus strand), DCHS2-AS1 (DCHS2 antisense RNA 1; plus strand). Cytogenetic location: 4q31.3.
Variant type: single nucleotide variant.
Coding change: c.9392C>T on transcript NM_001358235.2 (MANE Select); coding-DNA position 9392, C replaced by T.
Protein change: p.Pro3131Leu; replaces proline 3131 with leucine.
Molecular consequence: missense variant.
Genome position (GRCh38, 1-based): chr4:154,235,260, G>A on the plus strand (C>T on the coding strand, the complement: DCHS2 is on the minus strand). VCF-style: chr4-154235260-G-A. GRCh37 (hg19) VCF-style: chr4-155156412-G-A.
Other names: short protein forms P3131L.
Identifiers: ClinVar variation 3059159 (VCV003059159.2), dbSNP rs61746132, ClinGen allele CA3111761.